The following is an entry in ClinVar:

ClinVar aggregate classification (germline): Uncertain significance (1 of 4 stars; one submission).

Allele frequency attached by ClinVar (database versions not stated): gnomAD exomes below 0.00001.

Submission:

Labcorp Genetics (formerly Invitae), Labcorp
Classification: Uncertain significance. Last evaluated: 2021-06-05. Review status: criteria provided, single submitter. Criteria: Invitae Variant Classification Sherloc (09022015). Collection method: clinical testing. Allele origin: germline.
Comment: This variant is not present in population databases (ExAC no frequency). This sequence change replaces methionine with valine at codon 172 of the GEN1 protein (p.Met172Val). The methionine residue is highly conserved and there is a small physicochemical difference between methionine and valine. This variant has not been reported in the literature in individuals with GEN1-related conditions. In summary, the available evidence is currently insufficient to determine the role of this variant in disease. Therefore, it has been classified as a Variant of Uncertain Significance. Algorithms developed to predict the effect of missense changes on protein structure and function are either unavailable or do not agree on the potential impact of this missense change (SIFT: "Tolerated"; PolyPhen-2: "Possibly Damaging"; Align-GVGD: "Class C0").

NM_001130009.3(GEN1):c.514A>G (p.Met172Val)

Gene: GEN1 (GEN1 structure-specific endonuclease; plus strand). Cytogenetic location: 2p24.2.
Variant type: single nucleotide variant.
Coding change: c.514A>G on transcript NM_001130009.3 (MANE Select); coding-DNA position 514, A replaced by G.
Protein change: p.Met172Val; replaces methionine 172 with valine.
Molecular consequence: missense variant.
Genome position (GRCh38, 1-based): chr2:17,765,062, A>G. VCF-style: chr2-17765062-A-G. GRCh37 (hg19) VCF-style: chr2-17946329-A-G.
Other names: c.514A>G, p.Met172Val (NM_182625.5); short protein forms M172V.
Identifiers: ClinVar variation 1396266 (VCV001396266.8), dbSNP rs933591876, ClinGen allele CA43341236.